The following is an entry in ClinVar:

ClinVar aggregate classification (germline): Likely benign. Review status: reviewed by expert panel (3 of 4 stars). 6 submissions from 6 submitters: Likely benign (1). 5 of the submissions do not count toward it. Last evaluated 2017-06-29.

Conditions:
Breast and/or ovarian cancer. Identifiers: MedGen CN221562.
Hereditary cancer-predisposing syndrome. Also called: Hereditary Cancer Syndrome; Neoplastic Syndromes, Hereditary; Tumor predisposition; Hereditary neoplastic syndrome. Identifiers: Orphanet 140162, MedGen C0027672, MeSH D009386, MONDO:0015356.
Breast-ovarian cancer, familial, susceptibility to, 2 (BROVCA2). Also called: BRCA2 Hereditary Breast and Ovarian Cancer. Identifiers: Orphanet 145, MedGen C2675520, MONDO:0012933, OMIM 612555. Disease mechanism: loss of function.
Hereditary breast ovarian cancer syndrome. Also called: Hereditary breast and/or ovarian cancer syndrome; BRCA1- and BRCA2-Associated Hereditary Breast and Ovarian Cancer; Hereditary breast and ovarian cancer syndrome (HBOC); Hereditary breast and ovarian cancer; Hereditary breast and ovarian cancer syndrome; Breast and ovarian cancer. Identifiers: Orphanet 145, MedGen C0677776, MeSH D061325, MONDO:0003582. Disease mechanism: loss of function.

Allele frequency attached by ClinVar (database versions not stated): gnomAD below 0.00001 and 0.00001; ExAC 0.00002; gnomAD exomes 0.00002.
gnomAD v4.1: 23 of 1,612,440 alleles (0.0014%); highest among the groups gnomAD compares: South Asian, 0.025%; no homozygotes.

Submissions (6):

Evidence-based Network for the Interpretation of Germline Mutant Alleles (ENIGMA)
Classification: Likely benign for Breast-ovarian cancer, familial, susceptibility to, 2. Last evaluated: 2017-06-29. Review status: reviewed by expert panel. Criteria: ENIGMA BRCA1/2 Classification Criteria (2017-06-29). Collection method: curation. Allele origin: germline.
Comment: Synonymous substitution variant, with low bioinformatic likelihood to result in a splicing aberration (Splicing prior probability 0.02).

Labcorp Genetics (formerly Invitae), Labcorp
Classification: Likely benign for Hereditary breast ovarian cancer syndrome. Last evaluated: 2025-11-27. Review status: criteria provided, single submitter. Criteria: Invitae Variant Classification Sherloc (09022015). Collection method: clinical testing. Allele origin: germline. Not counted in ClinVar's aggregate classification.

Quest Diagnostics Nichols Institute San Juan Capistrano
Classification: Likely benign. Last evaluated: 2025-09-29. Review status: criteria provided, single submitter. Criteria: Quest Diagnostics criteria. Collection method: clinical testing. Allele origin: unknown. Not counted in ClinVar's aggregate classification.

Molecular Diagnostics Laboratory, Catalan Institute of Oncology
Classification: Likely benign for Hereditary cancer-predisposing syndrome. Last evaluated: 2024-12-09. Review status: criteria provided, single submitter. Criteria: ClinGen BRCA1BRCA2 ACMG Specifications BRCA2 V1.0.0. Collection method: clinical testing. Allele origin: germline. Not counted in ClinVar's aggregate classification.
Comment: BP1_Strong c.3666T>G, located in exon 11 of the BRCA2 gene, is predicted to result in no amino acid change, p.(Ala1222=). This position is outside a (potentially) clinically important functional domain and, moreover, the SpliceAI algorithm predicts no significant impact on splicing (BP1_Strong). This variant is found in 6/30264 with an filter allele frequency of 0.006% in the gnomAD v2.1.1 database (South Asian exome non-cancer data set). To our knowledge, functional studies have not been reported for this variant. This variant has been reported in the ClinVar database (3x likely benign), but is not present in LOVD database and classified as likely benign in BRCAExchange ‘Synonymous substitution variant, with low bioinformatic likelihood to result in a splicing aberration (Splicing prior probability 0.02). Based on currently available information, the variant c.3666T>G is classified as a likely benign variant according to ClinGen- BRCA1 and BRCA2 Guidelines version 1.0.0.

CHEO Genetics Diagnostic Laboratory, Children's Hospital of Eastern Ontario
Classification: Likely benign for Breast and/or ovarian cancer. Last evaluated: 2022-05-05. Review status: criteria provided, single submitter. Criteria: ACMG Guidelines, 2015. Collection method: clinical testing. Allele origin: germline. Not counted in ClinVar's aggregate classification.

Ambry Genetics
Classification: Likely benign for Hereditary cancer-predisposing syndrome. Last evaluated: 2015-04-16. Review status: criteria provided, single submitter. Criteria: Ambry Variant Classification Scheme 2023. Collection method: clinical testing. Allele origin: germline. Not counted in ClinVar's aggregate classification.

NM_000059.4(BRCA2):c.3666T>G (p.Ala1222=)

Gene: BRCA2 (BRCA2 DNA repair associated; plus strand). Cytogenetic location: 13q13.1.
Variant type: single nucleotide variant.
Coding change: c.3666T>G on transcript NM_000059.4 (MANE Select); coding-DNA position 3666, T replaced by G.
Protein change: p.Ala1222=; no amino-acid change (alanine 1222 retained).
Molecular consequence: synonymous variant.
Genome position (GRCh38, 1-based): chr13:32,338,021, T>G. VCF-style: chr13-32338021-T-G. GRCh37 (hg19) VCF-style: chr13-32912158-T-G.
Identifiers: ClinVar variation 231334 (VCV000231334.20), dbSNP rs765890622, ClinGen allele CA6940715.